The following is an entry in ClinVar:

NM_001368882.1(COL13A1):c.961G>A (p.Ala321Thr)

Gene: COL13A1 (collagen type XIII alpha 1 chain; plus strand). Cytogenetic location: 10q22.1.
Variant type: single nucleotide variant.
Coding change: c.961G>A on transcript NM_001368882.1 (MANE Select); coding-DNA position 961, G replaced by A.
Protein change: p.Ala321Thr; replaces alanine 321 with threonine.
Molecular consequence: missense variant.
Genome position (GRCh38, 1-based): chr10:69,917,328, G>A. VCF-style: chr10-69917328-G-A. GRCh37 (hg19) VCF-style: chr10-71677084-G-A.
Other names: c.991G>A, p.Ala331Thr (NM_001130103.2); c.961G>A, p.Ala321Thr (NM_001320951.2, NM_001368884.1); c.925G>A, p.Ala309Thr (NM_001368883.1, NM_001368885.1, NM_080801.4 and 1 more transcripts); c.361G>A, p.Ala121Thr (NM_001368886.1); c.871G>A, p.Ala291Thr (NM_001368895.1); c.820G>A, p.Ala274Thr (NM_001368896.1, NM_001368898.1, NM_080798.4); c.847G>A, p.Ala283Thr (NM_001368897.1); c.934G>A, p.Ala312Thr (NM_080800.4); and 1 more; short protein forms A274T, A280T, A291T, A312T, A331T, A283T, A321T, A121T.
Identifiers: ClinVar variation 1464301 (VCV001464301.5), dbSNP rs1017084205, ClinGen allele CA209266272.
Genomic context (GRCh38, chr10:69,917,328, plus strand): 5'-CTTTCTCATTTCTTCCTCCAGGGAGAACGGGGCATGCCAGGGATGCCAGGCAAGCATGGA[G>A]CCAAGGTACCTCCCCCTTCCCCACATCCCAGGCAGCCCCAAGGCCCCTCCCCCAGTGCCC-3'
Protein context (NP_001355811.1, residues 311-331): GMPGMPGKHG[Ala321Thr]KGAPGIAVAG

ClinVar aggregate classification (germline): Uncertain significance (1 of 4 stars; one submission).

Allele frequency attached by ClinVar (database versions not stated): gnomAD exomes below 0.00001 and 0.00001; gnomAD 0.00003 and 0.00004; TOPMed 0.00004.
gnomAD v4.1: 10 of 1,613,302 alleles (0.00062%); highest among the groups gnomAD compares: African/African-American, 0.012%; no homozygotes.

Submission:

Labcorp Genetics (formerly Invitae), Labcorp
Classification: Uncertain significance. Last evaluated: 2022-04-23. Review status: criteria provided, single submitter. Criteria: Invitae Variant Classification Sherloc (09022015). Collection method: clinical testing. Allele origin: germline.
Comment: This sequence change replaces alanine, which is neutral and non-polar, with threonine, which is neutral and polar, at codon 331 of the COL13A1 protein (p.Ala331Thr). This variant is present in population databases (no rsID available, gnomAD 0.01%). This variant has not been reported in the literature in individuals affected with COL13A1-related conditions. Algorithms developed to predict the effect of missense changes on protein structure and function output the following: SIFT: "Tolerated"; PolyPhen-2: "Benign"; Align-GVGD: "Class C0". The threonine amino acid residue is found in multiple mammalian species, which suggests that this missense change does not adversely affect protein function. In summary, the available evidence is currently insufficient to determine the role of this variant in disease. Therefore, it has been classified as a Variant of Uncertain Significance.